The following is an entry in ClinVar:

ClinVar aggregate classification (germline): Uncertain significance (1 of 4 stars; one submission).

Submission:

Labcorp Genetics (formerly Invitae), Labcorp
Classification: Uncertain significance. Last evaluated: 2026-01-19. Review status: criteria provided, single submitter. Criteria: Invitae Variant Classification Sherloc (09022015). Collection method: clinical testing. Allele origin: germline.
Comment: This sequence change replaces lysine, which is basic and polar, with asparagine, which is neutral and polar, at codon 88 of the MICAL1 protein (p.Lys88Asn). This variant is not present in population databases (gnomAD no frequency). This variant has not been reported in the literature in individuals affected with MICAL1-related conditions. ClinVar contains an entry for this variant (Variation ID: 1995081). An algorithm developed to predict the effect of missense changes on protein structure and function (PolyPhen-2) suggests that this variant is likely to be disruptive. In summary, the available evidence is currently insufficient to determine the role of this variant in disease. Therefore, it has been classified as a Variant of Uncertain Significance.

NM_022765.4(MICAL1):c.207G>T (p.Lys69Asn)

Gene: MICAL1 (microtubule associated monooxygenase, calponin and LIM domain containing 1; minus strand). Cytogenetic location: 6q21.
Variant type: single nucleotide variant.
Coding change: c.207G>T on transcript NM_022765.4 (MANE Select); coding-DNA position 207, G replaced by T.
Protein change: p.Lys69Asn; replaces lysine 69 with asparagine.
Molecular consequence: missense variant.
Genome position (GRCh38, 1-based): chr6:109,453,990, C>A on the plus strand (G>T on the coding strand, the complement: MICAL1 is on the minus strand). VCF-style: chr6-109453990-C-A. GRCh37 (hg19) VCF-style: chr6-109775193-C-A.
Other names: c.207G>T, p.Lys69Asn (NM_001159291.2); c.264G>T, p.Lys88Asn (NM_001286613.2); short protein forms K69N, K88N.
Identifiers: ClinVar variation 1995081 (VCV001995081.4), dbSNP rs2482817409, ClinGen allele CA365233762.